The following is an entry in ClinVar:

ClinVar aggregate classification (germline): Pathogenic. Review status: reviewed by expert panel (3 of 4 stars). 4 submissions from 4 submitters: Pathogenic (1). 3 of the submissions do not count toward it. Last evaluated 2017-12-08.

Conditions:
Congenital bilateral aplasia of vas deferens from CFTR mutation (CBAVD). Identifiers: Orphanet 48, MedGen C0403814, MONDO:0010178, OMIM 277180. Disease mechanism: loss of function.
Cystic fibrosis (CF). Also called: MUCOVISCIDOSIS. Identifiers: Orphanet 586, MedGen C0010674, MONDO:0009061, OMIM 219700. Disease mechanism: loss of function.
CFTR-related disorder (CFTR-RD). Also called: CFTR-related disorders; CFTR-related condition. Identifiers: MedGen C5924204, MONDO:7770004.

Allele frequency attached by ClinVar (database versions not stated): TOPMed 0.00001.

Submissions (4):

CFTR2
Classification: Pathogenic for Cystic fibrosis. Last evaluated: 2017-12-08. Review status: reviewed by expert panel. Criteria: Sosnay PR et al. (Nat Genet 2013). Collection method: research. Allele origin: germline. Affected: yes.

Natera, Inc.
Classification: Likely pathogenic for CFTR-related disorders. Last evaluated: 2025-05-13. Review status: criteria provided, single submitter. Criteria: Natera Variant Classification Schema (03/2026). Collection method: clinical testing. Allele origin: germline. Not counted in ClinVar's aggregate classification.
Comment: The c.1943delA variant in CFTR is a frameshift variant predicted to shift the reading frame beginning at codon 648 and leads to a stop codon 15 codons downstream. This variant is expected to result in nonsense mediated decay, truncation, or a dysfunctional protein product. This variant is rare in the general population with a frequency below the threshold expected for the associated phenotype(s). Given the available evidence, this variant is classified as Likely Pathogenic.

Women's Health and Genetics/Laboratory Corporation of America, LabCorp
Classification: Pathogenic for Cystic fibrosis. Last evaluated: 2024-05-02. Review status: criteria provided, single submitter. Criteria: LabCorp Variant Classification Summary - May 2015. Collection method: clinical testing. Allele origin: germline. Not counted in ClinVar's aggregate classification.
Comment: Variant summary: CFTR c.1943delA (p.Asp648ValfsX15) results in a premature termination codon, predicted to cause absence of the protein due to nonsense mediated decay, which is a commonly known mechanism for disease. The variant was absent in 251078 control chromosomes. c.1943delA has been reported in the literature in individuals affected with Cystic Fibrosis (example, Schrijver_2016). These data do not allow any conclusion about variant significance. To our knowledge, no experimental evidence demonstrating an impact on protein function has been reported. The following publication have been ascertained in the context of this evaluation (PMID: 26708955). ClinVar contains an entry for this variant (Variation ID: 634829). Based on the evidence outlined above, the variant was classified as pathogenic.

Juno Genomics, Hangzhou Juno Genomics, Inc
Classification: Likely pathogenic for Congenital bilateral aplasia of vas deferens from CFTR mutation; Cystic fibrosis. Review status: criteria provided, single submitter. Criteria: ACMG Guidelines, 2015. Collection method: clinical testing. Allele origin: germline. Not counted in ClinVar's aggregate classification.
Comment: Null variant in a gene where loss of function (LOF) is a known mechanism of disease.;Absent from controls (or at extremely low frequency if recessive) in Genome Aggregation Database.

Literature cited by the submitters: PubMed 26708955 (cited by Women's Health and Genetics/Laboratory Corporation of America, LabCorp).

NM_000492.4(CFTR):c.1943del (p.Asp648fs)

Gene: CFTR (CF transmembrane conductance regulator; plus strand). Cytogenetic location: 7q31.2.
Variant type: Deletion.
Coding change: c.1943del on transcript NM_000492.4 (MANE Select); coding-DNA position 1943, one base deleted (A; older notation c.1943delA).
Protein change: p.Asp648fs; shifts the reading frame from aspartic acid 648.
Molecular consequence: frameshift variant.
Genome position (GRCh38, 1-based): chr7:117,592,110, A deleted. VCF-style (leftmost placement, unchanged base first): chr7-117592109-GA-G. GRCh37 (hg19) VCF-style: chr7-117232163-GA-G.
Other names: c.1943delA (NM_000492.3, NM_000492.4); short protein forms D648fs.
Identifiers: ClinVar variation 634829 (VCV000634829.5), dbSNP rs1481564133, ClinGen allele CA832105444.